The following is an entry in ClinVar:

ClinVar aggregate classification (oncogenicity): Likely oncogenic (1 of 4 stars; one submission).

Conditions:
Meningioma. Also called: Meningioma, somatic. Identifiers: Orphanet 2495, MedGen C0025286, MONDO:0016642, HP:0002858.

Submission:

Dr. Guy Rouleau's laboratory, McGill University
Classification: Likely oncogenic for Meningioma. Last evaluated: 2025-03-30. Review status: criteria provided, single submitter. Criteria: ClinGen/CGC/VICC Guidelines for Oncogenicity, 2022. Collection method: research. Allele origin: somatic. Affected: yes.
Comment: This sequence change affects an acceptor splice site in intron 9 of the SUFU gene and is predicted to disrupt RNA splicing. Variants that impair donor or acceptor splice sites typically result in a loss of protein function (PMID: 16199547). Loss-of-function variants in SUFU gene are well-documented as pathogenic (PMIDs: 22508808, 25403219, 33024317). This somatic variant was identified in a paired tumor-blood sequencing study of meningiomas. It has not been reported in population databases (gnomAD v2.1.1: no frequency).

NM_016169.4(SUFU):c.1158-1G>A

Gene: SUFU (SUFU negative regulator of hedgehog signaling; plus strand). Cytogenetic location: 10q24.32.
Variant type: single nucleotide variant.
Coding change: c.1158-1G>A on transcript NM_016169.4 (MANE Select); the canonical splice acceptor site of the intron before coding-DNA position 1158, G replaced by A.
Molecular consequence: splice acceptor variant.
Genome position (GRCh38, 1-based): chr10:102,617,289, G>A. VCF-style: chr10-102617289-G-A. GRCh37 (hg19) VCF-style: chr10-104377046-G-A.
Other names: c.1158-1G>A (NM_001178133.2).
Identifiers: ClinVar variation 3897747 (VCV003897747.1).
Genomic context (GRCh38, chr10:102,617,289, plus strand): 5'-TGCTGTGCTTGGAACTGTTTCCAAGCCCAGCTCCTCACTGTCTCCATGTTCCCATCTCCA[G>A]GGGCAGGCTCCTGCATGGACGGCACTTTACATATAAAAGTATCACAGGTGACATGGCCAT-3'